The following is an entry in ClinVar:

ClinVar aggregate classification (germline): Uncertain significance (1 of 4 stars; one submission).

Conditions:
Inborn genetic diseases. Identifiers: MedGen C0950123, MeSH D030342.

gnomAD v4.1: 1 of 1,566,018 alleles (0.000064%); highest among the groups gnomAD compares: Non-Finnish European, 0.000087%; no homozygotes.

Submission:

Ambry Genetics
Classification: Uncertain significance for Inborn genetic diseases. Last evaluated: 2025-08-02. Review status: criteria provided, single submitter. Criteria: Ambry Variant Classification Scheme 2023. Collection method: clinical testing. Allele origin: germline.
Comment: The p.P395Q variant (also known as c.1184C>A), located in coding exon 8 of the RUNX1 gene, results from a C to A substitution at nucleotide position 1184. The proline at codon 395 is replaced by glutamine, an amino acid with similar properties. This amino acid position is conserved. In addition, this alteration is predicted to be tolerated by in silico analysis. Based on the available evidence, the clinical significance of this variant remains unclear.

NM_001754.5(RUNX1):c.1184C>A (p.Pro395Gln)

Gene: RUNX1 (RUNX family transcription factor 1; minus strand). Cytogenetic location: 21q22.12.
Variant type: single nucleotide variant.
Coding change: c.1184C>A on transcript NM_001754.5 (MANE Select); coding-DNA position 1184, C replaced by A.
Protein change: p.Pro395Gln; replaces proline 395 with glutamine.
Molecular consequence: missense variant.
Genome position (GRCh38, 1-based): chr21:34,792,394, G>T on the plus strand (C>A on the coding strand, the complement: RUNX1 is on the minus strand). VCF-style: chr21-34792394-G-T. GRCh37 (hg19) VCF-style: chr21-36164691-G-T.
Other names: c.1103C>A, p.Pro368Gln (NM_001001890.3); short protein forms P395Q, P368Q.
Identifiers: ClinVar variation 4158213 (VCV004158213.1).